The following is an entry in ClinVar:

ClinVar aggregate classification (germline): Uncertain significance (1 of 4 stars; one submission).

Allele frequency attached by ClinVar (database versions not stated): gnomAD exomes below 0.00001.

Submission:

Labcorp Genetics (formerly Invitae), Labcorp
Classification: Uncertain significance. Last evaluated: 2023-10-10. Review status: criteria provided, single submitter. Criteria: Invitae Variant Classification Sherloc (09022015). Collection method: clinical testing. Allele origin: germline.
Comment: This sequence change replaces serine, which is neutral and polar, with isoleucine, which is neutral and non-polar, at codon 806 of the PACS2 protein (p.Ser806Ile). This variant is present in population databases (no rsID available, gnomAD 0.007%). This variant has not been reported in the literature in individuals affected with PACS2-related conditions. ClinVar contains an entry for this variant (Variation ID: 1475153). Advanced modeling of protein sequence and biophysical properties (such as structural, functional, and spatial information, amino acid conservation, physicochemical variation, residue mobility, and thermodynamic stability) performed at Invitae indicates that this missense variant is not expected to disrupt PACS2 protein function. In summary, the available evidence is currently insufficient to determine the role of this variant in disease. Therefore, it has been classified as a Variant of Uncertain Significance.

NM_001100913.3(PACS2):c.2417G>T (p.Ser806Ile)

Gene: PACS2 (phosphofurin acidic cluster sorting protein 2; plus strand). Cytogenetic location: 14q32.33.
Variant type: single nucleotide variant.
Coding change: c.2417G>T on transcript NM_001100913.3 (MANE Select); coding-DNA position 2417, G replaced by T.
Protein change: p.Ser806Ile; replaces serine 806 with isoleucine.
Molecular consequence: missense variant.
Genome position (GRCh38, 1-based): chr14:105,392,780, G>T. VCF-style: chr14-105392780-G-T. GRCh37 (hg19) VCF-style: chr14-105859117-G-T.
Other names: c.2147G>T, p.Ser716Ile (NM_001243127.3); c.2372G>T, p.Ser791Ile (NM_015197.4); short protein forms S716I, S791I, S806I.
Identifiers: ClinVar variation 1475153 (VCV001475153.6), dbSNP rs1555415282, ClinGen allele CA391187956.